The following is an entry in ClinVar:

NM_020923.3(ZDBF2):c.666_669del (p.Asn222fs)

Gene: ZDBF2 (zinc finger DBF-type containing 2; plus strand). Cytogenetic location: 2q33.3.
Variant type: Microsatellite.
Coding change: c.666_669del on transcript NM_020923.3 (MANE Select); coding-DNA positions 666 to 669, 4 bases deleted (CAAA; older notation c.666_669delCAAA).
Protein change: p.Asn222fs; shifts the reading frame from asparagine 222.
Molecular consequence: frameshift variant.
Genome position (GRCh38, 1-based): chr2:206,305,194-206,305,197, CAAA deleted; deleting any 4 consecutive bases within chr2:206,305,190-206,305,197 gives the same sequence; the c. name uses the placement nearest the transcript's 3' end. VCF-style (leftmost placement, unchanged base first): chr2-206305189-CCAAA-C. GRCh37 (hg19) VCF-style: chr2-207169913-CCAAA-C.
Other names: c.660_663del, p.Asn220fs (NM_001285549.2); c.666_669del, p.Asn222fs (NM_001369654.1); short protein forms N222fs, N220fs.
Identifiers: ClinVar variation 3696131 (VCV003696131.2).

ClinVar aggregate classification (germline): Uncertain significance (1 of 4 stars; one submission).

Submission:

Labcorp Genetics (formerly Invitae), Labcorp
Classification: Uncertain significance. Last evaluated: 2024-10-20. Review status: criteria provided, single submitter. Criteria: Invitae Variant Classification Sherloc (09022015). Collection method: clinical testing. Allele origin: germline.
Comment: This sequence change creates a premature translational stop signal (p.Asn222Lysfs*22) in the ZDBF2 gene. While this is not anticipated to result in nonsense mediated decay, it is expected to disrupt the last 2133 amino acid(s) of the ZDBF2 protein. This variant is present in population databases (rs748009435, gnomAD 0.0009%). This variant has not been reported in the literature in individuals affected with ZDBF2-related conditions. Experimental studies and prediction algorithms are not available or were not evaluated, and the functional significance of this variant is currently unknown. In summary, the available evidence is currently insufficient to determine the role of this variant in disease. Therefore, it has been classified as a Variant of Uncertain Significance.